The following is an entry in ClinVar:

NM_033004.4(NLRP1):c.2960G>C (p.Arg987Pro)

Gene: NLRP1 (NLR family pyrin domain containing 1; minus strand). Cytogenetic location: 17p13.2.
Variant type: single nucleotide variant.
Coding change: c.2960G>C on transcript NM_033004.4 (MANE Select); coding-DNA position 2960, G replaced by C.
Protein change: p.Arg987Pro; replaces arginine 987 with proline.
Molecular consequence: missense variant. On other transcripts: intron variant (2).
Genome position (GRCh38, 1-based): chr17:5,536,851, C>G on the plus strand (G>C on the coding strand, the complement: NLRP1 is on the minus strand). VCF-style: chr17-5536851-C-G. GRCh37 (hg19) VCF-style: chr17-5440171-C-G.
Other names: c.2870+2564G>C (NM_033007.4, NM_033006.4); c.2960G>C, p.Arg987Pro (NM_001033053.3, NM_014922.5); short protein forms R987P.
Identifiers: ClinVar variation 3649816 (VCV003649816.2).
Genomic context (GRCh38, chr17:5,536,851, plus strand): 5'-CTGTCTCCTGCTCAGCCCTGGGCCTGGGTCAGCCAGAGGGAGTTCTGGGTCCCCCCTTAC[C>G]GTCTGCTGAAGATGAGCAGCTGAGGTTTCTCCTGCTCCAGGGCCCTCAGTTCCTGCCTCA-3'
Protein context (NP_127497.1, residues 977-997): EKPQLLIFSR[Arg987Pro]KPSVMTPTEG

ClinVar aggregate classification (germline): Uncertain significance (1 of 4 stars; one submission).

Submission:

Labcorp Genetics (formerly Invitae), Labcorp
Classification: Uncertain significance. Last evaluated: 2024-04-14. Review status: criteria provided, single submitter. Criteria: Invitae Variant Classification Sherloc (09022015). Collection method: clinical testing. Allele origin: germline.
Comment: This sequence change replaces arginine, which is basic and polar, with proline, which is neutral and non-polar, at codon 987 of the NLRP1 protein (p.Arg987Pro). This variant also falls at the last nucleotide of exon 8, which is part of the consensus splice site for this exon. This variant is not present in population databases (gnomAD no frequency). This variant has not been reported in the literature in individuals affected with NLRP1-related conditions. An algorithm developed to predict the effect of missense changes on protein structure and function (PolyPhen-2) suggests that this variant is likely to be tolerated. Variants that disrupt the consensus splice site are a relatively common cause of aberrant splicing (PMID: 17576681, 9536098). Algorithms developed to predict the effect of sequence changes on RNA splicing suggest that this variant may disrupt the consensus splice site. In summary, the available evidence is currently insufficient to determine the role of this variant in disease. Therefore, it has been classified as a Variant of Uncertain Significance.

Literature cited by the submitters: PubMed 17576681; PubMed 9536098.